The following is an entry in ClinVar:

NM_006846.4(SPINK5):c.2740-127_2740-126del

Gene: SPINK5 (serine peptidase inhibitor Kazal type 5; plus strand). Cytogenetic location: 5q32.
Variant type: Deletion.
Coding change: c.2740-127_2740-126del on transcript NM_006846.4 (MANE Select); 127 bases into the intron before coding-DNA position 2740 through 126 bases into the intron before coding-DNA position 2740, 2 bases deleted (GT; older notation c.2740-127_2740-126delGT).
Molecular consequence: intron variant. On other transcripts: frameshift variant (1).
Genome position (GRCh38, 1-based): chr5:148,125,596-148,125,597, GT deleted; deleting any 2 consecutive bases within chr5:148,125,595-148,125,597 gives the same sequence; the c. name uses the placement nearest the transcript's 3' end. VCF-style (leftmost placement, unchanged base first): chr5-148125594-CTG-C. GRCh37 (hg19) VCF-style: chr5-147505157-CTG-C.
Other names: c.2812_2813del, p.Val938fs (NM_001127698.2); short protein forms V938fs.
Identifiers: ClinVar variation 208615 (VCV000208615.4), dbSNP rs797045108, ClinGen allele CA204581.

ClinVar aggregate classification (germline): Uncertain significance (1 of 4 stars; one submission).

Conditions:
Netherton syndrome (NETH). Also called: ERYTHRODERMA, ICHTHYOSIFORM, WITH HYPOTRICHOSIS AND HYPER-IgE; COMEL-NETHERTON SYNDROME; NETHERTON DISEASE. Identifiers: Orphanet 634, MedGen C5574950, MONDO:0009735, OMIM 256500.

Submission:

Laboratory for Molecular Medicine, Mass General Brigham Personalized Medicine
Classification: Uncertain significance for Netherton syndrome. Last evaluated: 2014-11-13. Review status: criteria provided, single submitter. Criteria: LMM Criteria. Collection method: clinical testing. Allele origin: germline. Observed: 1 variant allele. Study: CSER-MedSeq.
Comment: The p.Val938CysfsX7 variant in SPINK5 has not been previously reported in individuals with disease and data from large population studies is insufficient to assess the frequency of this variant. This variant is predicted to cause a frameshift, which would alter the protein’s amino acid sequence beginning at position 938 and lead to a premature termination codon 7 amino acids downstream. This alteration is then predicted to lead to a truncated or absent protein. While complete loss of SPINK5 function has been previously described in many individuals with Netherton syndrome (Sprecher 2001), all previously described loss-of-function variants reside upstream of this variant. In summary, while there is some suspicion for a pathogenic role, the clinical significance of this variant cannot be determined with certainty.

Literature cited by the submitters: PubMed 11511292.